The following is an entry in ClinVar:

ClinVar aggregate classification (germline): Uncertain significance (1 of 4 stars; one submission).

Conditions:
Hereditary cancer-predisposing syndrome. Also called: Neoplastic Syndromes, Hereditary; Tumor predisposition; Hereditary neoplastic syndrome; Hereditary Cancer Syndrome. Identifiers: Orphanet 140162, MedGen C0027672, MeSH D009386, MONDO:0015356.

Submission:

Ambry Genetics
Classification: Uncertain significance for Hereditary cancer-predisposing syndrome. Last evaluated: 2023-02-10. Review status: criteria provided, single submitter. Criteria: Ambry Variant Classification Scheme 2023. Collection method: clinical testing. Allele origin: germline.
Comment: The p.A74S variant (also known as c.220G>T), located in coding exon 2 of the FANCC gene, results from a G to T substitution at nucleotide position 220. The alanine at codon 74 is replaced by serine, an amino acid with similar properties. This amino acid position is conserved. In addition, this alteration is predicted to be tolerated by in silico analysis. Since supporting evidence is limited at this time, the clinical significance of this alteration remains unclear.

NM_000136.3(FANCC):c.220G>T (p.Ala74Ser)

Gene: FANCC (FA complementation group C; minus strand). Cytogenetic location: 9q22.32.
Variant type: single nucleotide variant.
Coding change: c.220G>T on transcript NM_000136.3 (MANE Select); coding-DNA position 220, G replaced by T.
Protein change: p.Ala74Ser; replaces alanine 74 with serine.
Molecular consequence: missense variant.
Genome position (GRCh38, 1-based): chr9:95,247,462, C>A on the plus strand (G>T on the coding strand, the complement: FANCC is on the minus strand). VCF-style: chr9-95247462-C-A. GRCh37 (hg19) VCF-style: chr9-98009744-C-A.
Other names: c.220G>T, p.Ala74Ser (NM_001243744.2, NM_001243743.2); short protein forms A74S.
Identifiers: ClinVar variation 2450942 (VCV002450942.2), dbSNP rs2542843102, ClinGen allele CA374340054.